The following is an entry in ClinVar:

NM_000059.4(BRCA2):c.9494C>A (p.Thr3165Asn)

Gene: BRCA2 (BRCA2 DNA repair associated; plus strand). Cytogenetic location: 13q13.1.
Variant type: single nucleotide variant.
Coding change: c.9494C>A on transcript NM_000059.4 (MANE Select); coding-DNA position 9494, C replaced by A.
Protein change: p.Thr3165Asn; replaces threonine 3165 with asparagine.
Molecular consequence: missense variant. On other transcripts: non-coding transcript variant (1).
Genome position (GRCh38, 1-based): chr13:32,394,926, C>A. VCF-style: chr13-32394926-C-A. GRCh37 (hg19) VCF-style: chr13-32969063-C-A.
Other names: c.9398C>A, p.Thr3133Asn (NM_001406719.1); c.9443C>A, p.Thr3148Asn (NM_001406720.1); c.4562C>A, p.Thr1521Asn (NM_001406721.1); c.3077C>A, p.Thr1026Asn (NM_001406722.1); c.9494C>A, p.Thr3165Asn (NM_001432077.1); short protein forms T3165N, T1026N, T1521N, T3133N, T3148N.
Identifiers: ClinVar variation 4215822 (VCV004215822.1).
Genomic context (GRCh38, chr13:32,394,926, plus strand): 5'-TGTTTTCTGCTAGTCCAAAAGAGGGCCACTTTCAAGAGACATTCAACAAAATGAAAAATA[C>A]TGTTGAGGTAAGGTTACTTTTCAGCATCACCACACATTTTGGTATTTTTCTATTTTGACA-3'
Protein context (NP_000050.3, residues 3155-3175): FQETFNKMKN[Thr3165Asn]VENIDILCNE

ClinVar aggregate classification (germline): Uncertain significance (1 of 4 stars; one submission).

Conditions:
Hereditary cancer-predisposing syndrome. Also called: Hereditary Cancer Syndrome; Hereditary neoplastic syndrome; Neoplastic Syndromes, Hereditary; Tumor predisposition. Identifiers: Orphanet 140162, MedGen C0027672, MeSH D009386, MONDO:0015356.

gnomAD v4.1: 2 of 1,613,972 alleles (0.00012%); highest among the groups gnomAD compares: East Asian, 0.0022%; no homozygotes.

Submission:

Ambry Genetics
Classification: Uncertain significance for Hereditary cancer-predisposing syndrome. Last evaluated: 2025-06-24. Review status: criteria provided, single submitter. Criteria: Ambry Variant Classification Scheme 2023. Collection method: clinical testing. Allele origin: germline.
Comment: The p.T3165N variant (also known as c.9494C>A), located in coding exon 24 of the BRCA2 gene, results from a C to A substitution at nucleotide position 9494. The threonine at codon 3165 is replaced by asparagine, an amino acid with similar properties. This amino acid position is conserved. In addition, the in silico prediction for this alteration is inconclusive. Based on the available evidence, the clinical significance of this variant remains unclear.